The following is an entry in ClinVar:

ClinVar aggregate classification (germline): Uncertain significance (1 of 4 stars; one submission).

Allele frequency attached by ClinVar (database versions not stated): gnomAD exomes below 0.00001; gnomAD 0.00001.
gnomAD v4.1: 2 of 1,612,030 alleles (0.00012%); highest among the groups gnomAD compares: Admixed American, 0.0033%; no homozygotes.

Submission:

Labcorp Genetics (formerly Invitae), Labcorp
Classification: Uncertain significance. Last evaluated: 2022-10-18. Review status: criteria provided, single submitter. Criteria: Invitae Variant Classification Sherloc (09022015). Collection method: clinical testing. Allele origin: germline.
Comment: This sequence change replaces cysteine, which is neutral and slightly polar, with arginine, which is basic and polar, at codon 29 of the IARS2 protein (p.Cys29Arg). This variant is present in population databases (no rsID available, gnomAD 0.006%). This variant has not been reported in the literature in individuals affected with IARS2-related conditions. Algorithms developed to predict the effect of missense changes on protein structure and function output the following: SIFT: "Tolerated"; PolyPhen-2: "Benign"; Align-GVGD: "Class C0". The arginine amino acid residue is found in multiple mammalian species, which suggests that this missense change does not adversely affect protein function. In summary, the available evidence is currently insufficient to determine the role of this variant in disease. Therefore, it has been classified as a Variant of Uncertain Significance.

NM_018060.4(IARS2):c.85T>C (p.Cys29Arg)

Genes: IARS2 (isoleucyl-tRNA synthetase 2, mitochondrial; plus strand), LOC129932529 (ATAC-STARR-seq lymphoblastoid silent region 1823; plus strand). Cytogenetic location: 1q41.
Variant type: single nucleotide variant.
Coding change: c.85T>C on transcript NM_018060.4 (MANE Select); coding-DNA position 85, T replaced by C.
Protein change: p.Cys29Arg; replaces cysteine 29 with arginine.
Molecular consequence: missense variant.
Genome position (GRCh38, 1-based): chr1:220,094,301, T>C. VCF-style: chr1-220094301-T-C. GRCh37 (hg19) VCF-style: chr1-220267643-T-C.
Other names: short protein forms C29R.
Identifiers: ClinVar variation 2025494 (VCV002025494.4), dbSNP rs1167991391, ClinGen allele CA344619174.